The following is an entry in ClinVar:

ClinVar aggregate classification (germline): Pathogenic. Review status: criteria provided, multiple submitters, no conflicts (2 of 4 stars). 2 submissions from 2 submitters: Pathogenic (2). Last evaluated 2024-05-01.

Conditions:
Recessive dystrophic epidermolysis bullosa (RDEB). Also called: severe generalized recessive dystrophic epidermolysis bullosa; epidermolysis bullosa dystrophica, autosomal recessive; Hallopeau-Siemens Disease; EPIDERMOLYSIS BULLOSA DYSTROPHICA, GENERALIZED SEVERE, AUTOSOMAL RECESSIVE; Recessive DEB (RDEB); Epidermolysis Bullosa Distrophica Autosomal Recessive (RDEB). Identifiers: Orphanet 79408, Orphanet 79409, MedGen C0079474, MONDO:0009179, OMIM 226600.

Submissions (2):

Myriad Genetics, Inc.
Classification: Pathogenic for Recessive dystrophic epidermolysis bullosa. Last evaluated: 2024-05-01. Review status: criteria provided, single submitter. Criteria: Myriad Autosomal Dominant, Autosomal Recessive and X-Linked Classification Criteria (2023). Collection method: clinical testing. Allele origin: unknown.
Comment: NM_000094.3(COL7A1):c.7289delC(P2430Qfs*36) is expected to be pathogenic in the context of dystrophic epidermolysis bullosa. This variant is predicted to lead to an abnormal or absent protein product due to the creation of a premature termination codon in COL7A1, a gene where loss-of-function variants are known to be pathogenic. Please note: this variant was assessed in the context of healthy population screening.

Labcorp Genetics (formerly Invitae), Labcorp
Classification: Pathogenic. Last evaluated: 2021-05-26. Review status: criteria provided, single submitter. Criteria: Invitae Variant Classification Sherloc (09022015). Collection method: clinical testing. Allele origin: germline.
Comment: For these reasons, this variant has been classified as Pathogenic. This variant has been observed in individual(s) with recessive dystrophic epidermolysis bullosa (PMID: 19681861). This variant is not present in population databases (ExAC no frequency). This sequence change creates a premature translational stop signal (p.Pro2430Glnfs*36) in the COL7A1 gene. It is expected to result in an absent or disrupted protein product. Loss-of-function variants in COL7A1 are known to be pathogenic (PMID: 16971478).

Literature cited by the submitters: PubMed 19681861 (cited by Labcorp Genetics (formerly Invitae), Labcorp); PubMed 16971478 (cited by Labcorp Genetics (formerly Invitae), Labcorp).

NM_000094.4(COL7A1):c.7289del (p.Pro2430fs)

Gene: COL7A1 (collagen type VII alpha 1 chain; minus strand). Cytogenetic location: 3p21.31.
Variant type: Deletion.
Coding change: c.7289del on transcript NM_000094.4 (MANE Select); coding-DNA position 7289, one base deleted (C; older notation c.7289delC).
Protein change: p.Pro2430fs; shifts the reading frame from proline 2430.
Molecular consequence: frameshift variant.
Genome position (GRCh38, 1-based): chr3:48,570,694, G deleted on the plus strand (C on the coding strand, the reverse complement: COL7A1 is on the minus strand); the first of 6 consecutive G bases (chr3:48,570,694-48,570,699); deleting any one gives the same sequence. VCF-style (leftmost placement, unchanged base first): chr3-48570693-TG-T. GRCh37 (hg19) VCF-style: chr3-48608126-TG-T.
Other names: short protein forms P2430fs.
Identifiers: ClinVar variation 1456158 (VCV001456158.9), dbSNP rs1330515772, ClinGen allele CA433534169.